The following is an entry in ClinVar:

NM_001377.3(DYNC2H1):c.7786G>T (p.Gly2596Ter)

Gene: DYNC2H1 (dynein cytoplasmic 2 heavy chain 1; plus strand). Cytogenetic location: 11q22.3.
Variant type: single nucleotide variant.
Coding change: c.7786G>T on transcript NM_001377.3 (MANE Select); coding-DNA position 7786, G replaced by T.
Protein change: p.Gly2596Ter; replaces glycine 2596 with a stop codon.
Molecular consequence: nonsense.
Genome position (GRCh38, 1-based): chr11:103,198,010, G>T. VCF-style: chr11-103198010-G-T. GRCh37 (hg19) VCF-style: chr11-103068739-G-T.
Other names: c.7786G>T, p.Gly2596Ter (NM_001080463.2); short protein forms G2596*.
Identifiers: ClinVar variation 2755152 (VCV002755152.4), dbSNP rs2496345285, ClinGen allele CA382255697.

ClinVar aggregate classification (germline): Pathogenic. Review status: criteria provided, multiple submitters, no conflicts (2 of 4 stars). 2 submissions from 2 submitters: Pathogenic (2). Last evaluated 2025-07-28.

Conditions:
Jeune thoracic dystrophy. Also called: Jeune syndrome; Infantile thoracic dystrophy; Thoracic pelvic phalangeal dystrophy; Jeune's syndrome; Chondroectodermal dysplasia-like syndrome; Short-rib thoracic dysplasia. Identifiers: Orphanet 474, MedGen C0265275, MONDO:0018770.
Asphyxiating thoracic dystrophy 3. Also called: SHORT-RIB THORACIC DYSPLASIA 3 WITH OR WITHOUT POLYDACTYLY; POLYDACTYLY WITH NEONATAL CHONDRODYSTROPHY, TYPE I; SHORT-RIB THORACIC DYSPLASIA 3/6 WITH POLYDACTYLY, DIGENIC; Short rib polydactyly syndrome 2B; Saldino-Noonan Syndrome. Identifiers: Orphanet 474, Orphanet 93269, Orphanet 93270, Orphanet 93271, MedGen C0036069, MONDO:0013127, OMIM 613091.

Submissions (2):

Labcorp Genetics (formerly Invitae), Labcorp
Classification: Pathogenic for Jeune thoracic dystrophy. Last evaluated: 2025-07-28. Review status: criteria provided, single submitter. Criteria: Invitae Variant Classification Sherloc (09022015). Collection method: clinical testing. Allele origin: germline.
Comment: This sequence change creates a premature translational stop signal (p.Gly2596*) in the DYNC2H1 gene. It is expected to result in an absent or disrupted protein product. Loss-of-function variants in DYNC2H1 are known to be pathogenic (PMID: 23339108, 32753734, 33755199). This variant is not present in population databases (gnomAD no frequency). This variant has not been reported in the literature in individuals affected with DYNC2H1-related conditions. ClinVar contains an entry for this variant (Variation ID: 2755152). For these reasons, this variant has been classified as Pathogenic.

3billion
Classification: Pathogenic for Asphyxiating thoracic dystrophy 3. Last evaluated: 2024-10-23. Review status: criteria provided, single submitter. Criteria: ACMG Guidelines, 2015. Collection method: clinical testing. Allele origin: germline. Affected: yes.
Comment: The variant is not observed in the gnomAD v4.1.0 dataset. Predicted Consequence/Location: Stop-gained (nonsense): predicted to result in a loss or disruption of normal protein function through nonsense-mediated decay (NMD) or protein truncation. Multiple pathogenic variants are reported downstream of the variant. The variant has been reported to be associated with DYNC2H1 related disorder (ClinVar ID: VCV002755152). Therefore, this variant is classified as Pathogenic according to the recommendation of ACMG/AMP guideline.

Literature cited by the submitters: PubMed 23339108 (cited by Labcorp Genetics (formerly Invitae), Labcorp); PubMed 32753734 (cited by Labcorp Genetics (formerly Invitae), Labcorp); PubMed 33755199 (cited by Labcorp Genetics (formerly Invitae), Labcorp).